The following is an entry in ClinVar:

NM_182493.3(MYLK3):c.2115-2A>T

Gene: MYLK3 (myosin light chain kinase 3; minus strand). Cytogenetic location: 16q11.2.
Variant type: single nucleotide variant.
Coding change: c.2115-2A>T on transcript NM_182493.3 (MANE Select); the canonical splice acceptor site of the intron before coding-DNA position 2115, A replaced by T.
Molecular consequence: splice acceptor variant.
Genome position (GRCh38, 1-based): chr16:46,710,791, T>A on the plus strand (A>T on the coding strand, the complement: MYLK3 is on the minus strand). VCF-style: chr16-46710791-T-A. GRCh37 (hg19) VCF-style: chr16-46744703-T-A.
Other names: c.1092-2A>T (NM_001308301.1).
Identifiers: ClinVar variation 4808363 (VCV004808363.1).

ClinVar aggregate classification (germline): Uncertain significance (1 of 4 stars; one submission).

Submission:

Labcorp Genetics (formerly Invitae), Labcorp
Classification: Uncertain significance. Last evaluated: 2025-12-03. Review status: criteria provided, single submitter. Criteria: Invitae Variant Classification Sherloc (09022015). Collection method: clinical testing. Allele origin: germline.
Comment: This sequence change affects an acceptor splice site in intron 10 of the MYLK3 gene. It is expected to disrupt RNA splicing. Variants that disrupt the donor or acceptor splice site typically lead to a loss of protein function (PMID: 16199547), however the current clinical and genetic evidence is not sufficient to establish whether loss-of-function variants in MYLK3 cause disease. This variant is not present in population databases (gnomAD no frequency). This variant has not been reported in the literature in individuals affected with MYLK3-related conditions. Algorithms developed to predict the effect of sequence changes on RNA splicing suggest that this variant may disrupt the consensus splice site. In summary, the available evidence is currently insufficient to determine the role of this variant in disease. Therefore, it has been classified as a Variant of Uncertain Significance.

Literature cited by the submitters: PubMed 16199547.